The following is an entry in ClinVar:

ClinVar aggregate classification (germline): Uncertain significance (1 of 4 stars; one submission).

Submission:

GeneDx
Classification: Uncertain significance. Last evaluated: 2025-05-07. Review status: criteria provided, single submitter. Criteria: GeneDx Variant Classification Process June 2021. Collection method: clinical testing. Allele origin: germline. Affected: yes.
Comment: Not observed at significant frequency in large population cohorts (gnomAD); In silico analysis supports that this missense variant has a deleterious effect on protein structure/function; Has not been previously published as pathogenic or benign to our knowledge

NM_001303256.3(MORC2):c.941G>T (p.Arg314Leu)

Gene: MORC2 (MORC family CW-type zinc finger 2; minus strand). Cytogenetic location: 22q12.2.
Variant type: single nucleotide variant.
Coding change: c.941G>T on transcript NM_001303256.3 (MANE Select); coding-DNA position 941, G replaced by T.
Protein change: p.Arg314Leu; replaces arginine 314 with leucine.
Molecular consequence: missense variant.
Genome position (GRCh38, 1-based): chr22:30,940,005, C>A on the plus strand (G>T on the coding strand, the complement: MORC2 is on the minus strand). VCF-style: chr22-30940005-C-A. GRCh37 (hg19) VCF-style: chr22-31335992-C-A.
Other names: c.941G>T, p.Arg314Leu (NM_001303257.2); c.755G>T, p.Arg252Leu (NM_014941.3); short protein forms R252L, R314L.
Identifiers: ClinVar variation 4528173 (VCV004528173.1).